The following is an entry in ClinVar:

NM_020442.6(VARS2):c.1943A>G (p.His648Arg)

Genes: VARS2 (valyl-tRNA synthetase 2, mitochondrial; plus strand), LOC126859646 (MED14-independent group 3 enhancer GRCh37_chr6:30889690-30890889; plus strand). Cytogenetic location: 6p21.33.
Variant type: single nucleotide variant.
Coding change: c.1943A>G on transcript NM_020442.6 (MANE Select); coding-DNA position 1943, A replaced by G.
Protein change: p.His648Arg; replaces histidine 648 with arginine.
Molecular consequence: missense variant.
Genome position (GRCh38, 1-based): chr6:30,922,460, A>G. VCF-style: chr6-30922460-A-G. GRCh37 (hg19) VCF-style: chr6-30890237-A-G.
Other names: c.1523A>G, p.His508Arg (NM_001167733.3); c.2033A>G, p.His678Arg (NM_001167734.2); short protein forms H508R, H648R, H678R.
Identifiers: ClinVar variation 3908005 (VCV003908005.1).

ClinVar aggregate classification (germline): Uncertain significance (1 of 4 stars; one submission).

gnomAD v4.1: 18 of 1,604,928 alleles (0.0011%); highest among the groups gnomAD compares: Non-Finnish European, 0.0014%; no homozygotes.

Submission:

GeneDx
Classification: Uncertain significance. Last evaluated: 2024-12-30. Review status: criteria provided, single submitter. Criteria: GeneDx Variant Classification Process June 2021. Collection method: clinical testing. Allele origin: germline. Affected: yes.
Comment: Not observed at significant frequency in large population cohorts (gnomAD); In silico analysis supports that this missense variant has a deleterious effect on protein structure/function; Has not been previously published as pathogenic or benign to our knowledge